The following is an entry in ClinVar:

NM_173354.5(SIK1):c.1789A>G (p.Lys597Glu)

Gene: SIK1 (salt inducible kinase 1; minus strand). Cytogenetic location: 21q22.3.
Variant type: single nucleotide variant.
Coding change: c.1789A>G on transcript NM_173354.5 (MANE Select); coding-DNA position 1789, A replaced by G.
Protein change: p.Lys597Glu; replaces lysine 597 with glutamic acid.
Molecular consequence: missense variant.
Genome position (GRCh38, 1-based): chr21:43,417,730, T>C on the plus strand (A>G on the coding strand, the complement: SIK1 is on the minus strand). VCF-style: chr21-43417730-T-C. GRCh37 (hg19) VCF-style: chr21-44837610-T-C.
Other names: short protein forms K597E.
Identifiers: ClinVar variation 2002340 (VCV002002340.4), dbSNP rs2081038805, ClinGen allele CA410607295.
Genomic context (GRCh38, chr21:43,417,730, plus strand): 5'-CGGGGGCCTGGCACACCTGGCGAGCCAGCCCCTTGATTTTGTTCAGTCCCAGAAACCCTT[T>C]GGTCCGCGTGGTCTTCCTCAGCTGCTGCCGAAAGGCCTTCAGCCCTGCAGGGAGAATGAA-3'
Protein context (NP_775490.2, residues 587-607): RQQLRKTTRT[Lys597Glu]GFLGLNKIKG

ClinVar aggregate classification (germline): Uncertain significance (1 of 4 stars; one submission).

Conditions:
Developmental and epileptic encephalopathy, 30 (DEE30). Also called: Epileptic encephalopathy, early infantile, 30. Identifiers: MedGen C4225360, MONDO:0014595, OMIM 616341.

Submission:

Labcorp Genetics (formerly Invitae), Labcorp
Classification: Uncertain significance for Developmental and epileptic encephalopathy, 30. Last evaluated: 2022-10-24. Review status: criteria provided, single submitter. Criteria: Invitae Variant Classification Sherloc (09022015). Collection method: clinical testing. Allele origin: germline.
Comment: In summary, the available evidence is currently insufficient to determine the role of this variant in disease. Therefore, it has been classified as a Variant of Uncertain Significance. Advanced modeling of protein sequence and biophysical properties (such as structural, functional, and spatial information, amino acid conservation, physicochemical variation, residue mobility, and thermodynamic stability) performed at Invitae indicates that this missense variant is not expected to disrupt SIK1 protein function. This variant has not been reported in the literature in individuals affected with SIK1-related conditions. This variant is not present in population databases (gnomAD no frequency). This sequence change replaces lysine, which is basic and polar, with glutamic acid, which is acidic and polar, at codon 597 of the SIK1 protein (p.Lys597Glu).